The following is an entry in ClinVar:

ClinVar aggregate classification (germline): Pathogenic (1 of 4 stars; one submission).

Submission:

Labcorp Genetics (formerly Invitae), Labcorp
Classification: Pathogenic. Last evaluated: 2023-02-15. Review status: criteria provided, single submitter. Criteria: Invitae Variant Classification Sherloc (09022015). Collection method: clinical testing. Allele origin: unknown.
Comment: This variant is a gross deletion of the genomic region encompassing exon(s) 5 of the TRIM37 gene. This deletion is out-of-frame, and is expected to create a premature termination codon and result in an absent or disrupted protein product. Loss-of-function variants in TRIM37 are known to be pathogenic (PMID: 10888877, 15108285). This variant has not been reported in the literature in individuals affected with TRIM37-related conditions. For these reasons, this variant has been classified as Pathogenic.

Literature cited by the submitters: PubMed 10888877; PubMed 15108285.

NC_000017.10:g.(?_57161343)_(57161470_?)del

Gene: TRIM37 (tripartite motif containing 37; minus strand). Cytogenetic location: 17q22.
Variant type: Deletion.
Identifiers: ClinVar variation 3243188 (VCV003243188.1).